The following is an entry in ClinVar:

NM_001148.6(ANK2):c.1733T>C (p.Val578Ala)

Gene: ANK2 (ankyrin 2; plus strand). Cytogenetic location: 4q26.
Variant type: single nucleotide variant.
Coding change: c.1733T>C on transcript NM_001148.6 (MANE Select); coding-DNA position 1733, T replaced by C.
Protein change: p.Val578Ala; replaces valine 578 with alanine.
Molecular consequence: missense variant.
Genome position (GRCh38, 1-based): chr4:113,277,886, T>C. VCF-style: chr4-113277886-T-C. GRCh37 (hg19) VCF-style: chr4-114199042-T-C.
Other names: c.1670T>C, p.Val557Ala (NM_001127493.3, NM_001354239.2, NM_001354243.2 and 14 more transcripts); c.1733T>C, p.Val578Ala (NM_001354225.2, NM_001354228.2, NM_001354232.2 and 8 more transcripts); c.1778T>C, p.Val593Ala (NM_001354230.2, NM_001354231.2, NM_001354237.2 and 5 more transcripts); c.1646T>C, p.Val549Ala (NM_001354249.2, NM_001354266.2, NM_001354267.2 and 13 more transcripts); c.1523T>C, p.Val508Ala (NM_001354269.3); c.1535T>C, p.Val512Ala (NM_001354273.2); c.1448T>C, p.Val483Ala (NM_001386157.1, NM_001386158.1, NM_001354277.2); c.1691T>C, p.Val564Ala (NM_001386160.1, NM_001354261.2, NM_001386147.1); and 4 more; short protein forms V508A, V512A, V483A, V574A, V593A, V564A, V566A, V578A.
Identifiers: ClinVar variation 1779034 (VCV001779034.8), dbSNP rs1180989901, ClinGen allele CA357910991.

ClinVar aggregate classification (germline): Uncertain significance. Review status: criteria provided, multiple submitters, no conflicts (2 of 4 stars). 2 submissions from 2 submitters: Uncertain significance (2). Last evaluated 2024-08-12.

Conditions:
Cardiovascular phenotype. Identifiers: MedGen CN230736.
Long QT syndrome (LQTS). Identifiers: MedGen C0023976, MeSH D008133, MONDO:0002442. Disease mechanism: loss of function. Inheritance: Various modes of inheritance.

gnomAD v4.1: 1 of 1,614,106 alleles (0.000062%); highest among the groups gnomAD compares: Non-Finnish European, 0.000085%; no homozygotes.

Submissions (2):

Ambry Genetics
Classification: Uncertain significance for Cardiovascular phenotype. Last evaluated: 2024-08-12. Review status: criteria provided, single submitter. Criteria: Ambry Variant Classification Scheme 2023. Collection method: clinical testing. Allele origin: germline.

Labcorp Genetics (formerly Invitae), Labcorp
Classification: Uncertain significance for Long QT syndrome. Last evaluated: 2022-06-22. Review status: criteria provided, single submitter. Criteria: Invitae Variant Classification Sherloc (09022015). Collection method: clinical testing. Allele origin: germline.
Comment: In summary, the available evidence is currently insufficient to determine the role of this variant in disease. Therefore, it has been classified as a Variant of Uncertain Significance. Algorithms developed to predict the effect of missense changes on protein structure and function are either unavailable or do not agree on the potential impact of this missense change (SIFT: "Deleterious"; PolyPhen-2: "Probably Damaging"; Align-GVGD: "Class C0"). This variant has not been reported in the literature in individuals affected with ANK2-related conditions. This variant is not present in population databases (gnomAD no frequency). This sequence change replaces valine, which is neutral and non-polar, with alanine, which is neutral and non-polar, at codon 578 of the ANK2 protein (p.Val578Ala).